The following is an entry in ClinVar:

ClinVar aggregate classification (germline): Uncertain significance (1 of 4 stars; one submission).

Conditions:
X-linked Emery-Dreifuss muscular dystrophy. Also called: Muscular dystrophy, tardive Emery-Dreifuss type, with contractures. Identifiers: Orphanet 261, Orphanet 98863, MedGen C0751337, MONDO:0010680.

Submission:

Labcorp Genetics (formerly Invitae), Labcorp
Classification: Uncertain significance for X-linked Emery-Dreifuss muscular dystrophy. Last evaluated: 2025-10-29. Review status: criteria provided, single submitter. Criteria: Invitae Variant Classification Sherloc (09022015). Collection method: clinical testing. Allele origin: germline.
Comment: This sequence change replaces threonine, which is neutral and polar, with isoleucine, which is neutral and non-polar, at codon 43 of the EMD protein (p.Thr43Ile). This variant is not present in population databases (gnomAD no frequency). This variant has not been reported in the literature in individuals affected with EMD-related conditions. Invitae Evidence Modeling of protein sequence and biophysical properties (such as structural, functional, and spatial information, amino acid conservation, physicochemical variation, residue mobility, and thermodynamic stability) indicates that this missense variant is expected to disrupt EMD protein function with a positive predictive value of 80%. Experimental studies have shown that this missense change does not substantially affect EMD function (PMID: 31185657). In summary, the available evidence is currently insufficient to determine the role of this variant in disease. Therefore, it has been classified as a Variant of Uncertain Significance.

Literature cited by the submitters: PubMed 31185657.

NM_000117.3(EMD):c.128C>T (p.Thr43Ile)

Gene: EMD (emerin; plus strand). Cytogenetic location: Xq28.
Variant type: single nucleotide variant.
Coding change: c.128C>T on transcript NM_000117.3 (MANE Select); coding-DNA position 128, C replaced by T.
Protein change: p.Thr43Ile; replaces threonine 43 with isoleucine.
Molecular consequence: missense variant.
Genome position (GRCh38, 1-based): chrX:154,379,735, C>T. VCF-style: chrX-154379735-C-T. GRCh37 (hg19) VCF-style: chrX-153608095-C-T.
Other names: short protein forms T43I.
Identifiers: ClinVar variation 4698331 (VCV004698331.1).